The following is an entry in ClinVar:

ClinVar aggregate classification (germline): Uncertain significance (1 of 4 stars; one submission).

Allele frequency attached by ClinVar (database versions not stated): TOPMed below 0.00001; gnomAD 0.00001; gnomAD exomes 0.00001 and 0.00002; ExAC 0.00003; ESP Exome Variant Server 0.00008; 1000 Genomes Project 30x 0.00016; 1000 Genomes Project 0.00020.
gnomAD v4.1: 10 of 1,613,950 alleles (0.00062%); highest among the groups gnomAD compares: South Asian, 0.0044%; no homozygotes.

Submissions (2):

Labcorp Genetics (formerly Invitae), Labcorp
Classification: Uncertain significance. Last evaluated: 2022-09-27. Review status: criteria provided, single submitter. Criteria: Invitae Variant Classification Sherloc (09022015). Collection method: clinical testing. Allele origin: germline.
Comment: This sequence change replaces arginine, which is basic and polar, with tryptophan, which is neutral and slightly polar, at codon 162 of the PCYT1A protein (p.Arg162Trp). This variant is present in population databases (rs375663930, gnomAD 0.003%). This variant has not been reported in the literature in individuals affected with PCYT1A-related conditions. ClinVar contains an entry for this variant (Variation ID: 1361916). Algorithms developed to predict the effect of missense changes on protein structure and function are either unavailable or do not agree on the potential impact of this missense change (SIFT: "Deleterious"; PolyPhen-2: "Probably Damaging"; Align-GVGD: "Class C0"). In summary, the available evidence is currently insufficient to determine the role of this variant in disease. Therefore, it has been classified as a Variant of Uncertain Significance.

Dr. Peter K. Rogan Lab, Western University
No classification provided (evidence only). Condition: Gastric cancer. Review status: no classification provided. Collection method: in vitro. Allele origin: not applicable. Functional consequence: retained intron. Not counted in ClinVar's aggregate classification.

NM_001312673.2(PCYT1A):c.484C>T (p.Arg162Trp)

Genes: PCYT1A (phosphate cytidylyltransferase 1A, choline; minus strand), LOC126806932 (BRD4-independent group 4 enhancer GRCh37_chr3:195973646-195974845; plus strand). Cytogenetic location: 3q29.
Variant type: single nucleotide variant.
Coding change: c.484C>T on transcript NM_001312673.2 (MANE Select); coding-DNA position 484, C replaced by T.
Protein change: p.Arg162Trp; replaces arginine 162 with tryptophan.
Molecular consequence: missense variant.
Genome position (GRCh38, 1-based): chr3:196,247,369, G>A on the plus strand (C>T on the coding strand, the complement: PCYT1A is on the minus strand). VCF-style: chr3-196247369-G-A. GRCh37 (hg19) VCF-style: chr3-195974240-G-A.
Other names: c.484C>T, p.Arg162Trp (NM_005017.4); short protein forms R162W.
Identifiers: ClinVar variation 1361916 (VCV001361916.6), dbSNP rs375663930, ClinGen allele CA2779520.